The following is an entry in ClinVar:

ClinVar aggregate classification (germline): Pathogenic (1 of 4 stars; one submission).

Conditions:
Myopathy, proximal, and ophthalmoplegia (CMYO6). Also called: CONGENITAL MYOPATHY 6 WITH OPHTHALMOPLEGIA; INCLUSION BODY MYOPATHY 3, AUTOSOMAL DOMINANT; MYOPATHY WITH CONGENITAL JOINT CONTRACTURES, OPHTHALMOPLEGIA, AND RIMMED VACUOLES. Identifiers: Orphanet 363677, Orphanet 79091, MedGen C1854106, MONDO:0011577, OMIM 605637.

Allele frequency attached by ClinVar (database versions not stated): gnomAD 0.00001; gnomAD exomes 0.00001; TOPMed 0.00001.
gnomAD v4.1: 18 of 1,613,952 alleles (0.0011%); highest among the groups gnomAD compares: South Asian, 0.0022%; no homozygotes.

Submission:

Labcorp Genetics (formerly Invitae), Labcorp
Classification: Pathogenic for Myopathy, proximal, and ophthalmoplegia. Last evaluated: 2024-08-12. Review status: criteria provided, single submitter. Criteria: Invitae Variant Classification Sherloc (09022015). Collection method: clinical testing. Allele origin: germline.
Comment: This sequence change creates a premature translational stop signal (p.Arg1852*) in the MYH2 gene. It is expected to result in an absent or disrupted protein product. Loss-of-function variants in MYH2 are known to be pathogenic (PMID: 20418530, 23388406, 24193343). This variant is present in population databases (rs756571003, gnomAD 0.003%). This variant has not been reported in the literature in individuals affected with MYH2-related conditions. ClinVar contains an entry for this variant (Variation ID: 2420285). Algorithms developed to predict the effect of sequence changes on RNA splicing suggest that this variant may disrupt the consensus splice site. For these reasons, this variant has been classified as Pathogenic.

Literature cited by the submitters: PubMed 20418530; PubMed 23388406; PubMed 24193343.

NM_017534.6(MYH2):c.5554C>T (p.Arg1852Ter)

Genes: MYH2 (myosin heavy chain 2; minus strand), MYHAS (myosin heavy chain gene cluster antisense RNA; plus strand). Cytogenetic location: 17p13.1.
Variant type: single nucleotide variant.
Coding change: c.5554C>T on transcript NM_017534.6 (MANE Select); coding-DNA position 5554, C replaced by T.
Protein change: p.Arg1852Ter; replaces arginine 1852 with a stop codon.
Molecular consequence: nonsense.
Genome position (GRCh38, 1-based): chr17:10,523,331, G>A on the plus strand (C>T on the coding strand, the complement: MYH2 is on the minus strand). VCF-style: chr17-10523331-G-A. GRCh37 (hg19) VCF-style: chr17-10426648-G-A.
Other names: c.5554C>T, p.Arg1852Ter (NM_001100112.2); short protein forms R1852*.
Identifiers: ClinVar variation 2420285 (VCV002420285.10), dbSNP rs756571003, ClinGen allele CA287734703.